The following is an entry in ClinVar:

NM_017780.4(CHD7):c.8254G>A (p.Gly2752Arg)

Gene: CHD7 (chromodomain helicase DNA binding protein 7; plus strand). Cytogenetic location: 8q12.2.
Variant type: single nucleotide variant.
Coding change: c.8254G>A on transcript NM_017780.4 (MANE Select); coding-DNA position 8254, G replaced by A.
Protein change: p.Gly2752Arg; replaces glycine 2752 with arginine.
Molecular consequence: missense variant.
Genome position (GRCh38, 1-based): chr8:60,865,193, G>A. VCF-style: chr8-60865193-G-A. GRCh37 (hg19) VCF-style: chr8-61777752-G-A.
Other names: c.2107G>A, p.Gly703Arg (NM_001316690.1); short protein forms G2752R, G703R.
Identifiers: ClinVar variation 970067 (VCV000970067.14), dbSNP rs373124679, ClinGen allele CA4760974.

ClinVar aggregate classification (germline): Conflicting classifications of pathogenicity. Review status: criteria provided, conflicting classifications (1 of 4 stars). 4 submissions from 4 submitters: Uncertain significance (3); Likely benign (1). Last evaluated 2026-09-01.

Conditions:
CHD7-related disorder. Also called: CHD7-related condition.
Hypogonadotropic hypogonadism 5 with or without anosmia (KAL5). Also called: HYPOGONADOTROPIC HYPOGONADISM 5 WITH ANOSMIA; HYPOGONADOTROPHIC HYPOGONADISM 5 WITHOUT ANOSMIA; CHD7-Related GnRH Deficiency (Kallmann Syndrome 5). Identifiers: Orphanet 478, MedGen C3552553, MONDO:0012880, OMIM 612370. Disease mechanism: loss of function.
CHARGE syndrome (CHARGE). Also called: Hittner Hirsch Kreh syndrome; Coloboma, heart anomaly, choanal atresia, retardation, genital and ear anomalies; CHARGE association; Hall-Hittner syndrome; CHARGE ASSOCIATION--COLOBOMA, HEART ANOMALY, CHOANAL ATRESIA, RETARDATION, GENITAL AND EAR ANOMALIES. Identifiers: Orphanet 138, MedGen C0265354, MONDO:0008965.

Allele frequency attached by ClinVar (database versions not stated): ExAC 0.00001; gnomAD 0.00001; gnomAD exomes 0.00002; TOPMed 0.00002; ESP Exome Variant Server 0.00008.
gnomAD v4.1: 27 of 1,611,606 alleles (0.0017%); highest among the groups gnomAD compares: Non-Finnish European, 0.002%; no homozygotes.

Submissions (4):

CeGaT Center for Human Genetics Tuebingen
Classification: Likely benign. Last evaluated: 2026-09-01. Review status: criteria provided, single submitter. Criteria: CeGaT Center For Human Genetics Tuebingen Variant Classification Criteria Version 2. Collection method: clinical testing. Allele origin: germline. Affected: yes. Observed: 1 variant allele.
Comment: CHD7: PP3, BS2

PreventionGenetics, part of Exact Sciences
Classification: Uncertain significance for CHD7-related condition. Last evaluated: 2026-01-30. Review status: criteria provided, single submitter. Criteria: ACMG Guidelines, 2015. Collection method: clinical testing. Allele origin: germline.
Comment: The CHD7 c.8254G>A variant is predicted to result in the amino acid substitution p.Gly2752Arg. To our knowledge, this variant has not been reported in the literature. This variant is reported in 0.0036% of alleles in individuals of European (Non-Finnish) descent in gnomAD. At this time, the clinical significance of this variant is uncertain due to the absence of conclusive functional and genetic evidence.

Labcorp Genetics (formerly Invitae), Labcorp
Classification: Uncertain significance for CHARGE syndrome. Last evaluated: 2024-12-29. Review status: criteria provided, single submitter. Criteria: Invitae Variant Classification Sherloc (09022015). Collection method: clinical testing. Allele origin: germline.
Comment: This sequence change replaces glycine, which is neutral and non-polar, with arginine, which is basic and polar, at codon 2752 of the CHD7 protein (p.Gly2752Arg). This variant is present in population databases (rs373124679, gnomAD 0.005%). This variant has not been reported in the literature in individuals affected with CHD7-related conditions. ClinVar contains an entry for this variant (Variation ID: 970067). Invitae Evidence Modeling of protein sequence and biophysical properties (such as structural, functional, and spatial information, amino acid conservation, physicochemical variation, residue mobility, and thermodynamic stability) has been performed for this missense variant. However, the output from this modeling did not meet the statistical confidence thresholds required to predict the impact of this variant on CHD7 protein function. In summary, the available evidence is currently insufficient to determine the role of this variant in disease. Therefore, it has been classified as a Variant of Uncertain Significance.

Fulgent Genetics
Classification: Uncertain significance for CHD7-related CHARGE syndrome; Hypogonadotropic hypogonadism 5 with or without anosmia. Last evaluated: 2024-06-11. Review status: criteria provided, single submitter. Criteria: ACMG Guidelines, 2015. Collection method: clinical testing. Allele origin: germline.